The following is an entry in ClinVar:

NM_000186.4(CFH):c.244+2T>C

Gene: CFH (complement factor H; plus strand). Cytogenetic location: 1q31.3.
Variant type: single nucleotide variant.
Coding change: c.244+2T>C on transcript NM_000186.4 (MANE Select); the canonical splice donor site of the intron after coding-DNA position 244, T replaced by C.
Molecular consequence: splice donor variant.
Genome position (GRCh38, 1-based): chr1:196,673,165, T>C. VCF-style: chr1-196673165-T-C. GRCh37 (hg19) VCF-style: chr1-196642295-T-C.
Other names: c.244+2T>C (NM_001014975.3).
Identifiers: ClinVar variation 4291525 (VCV004291525.1).
Genomic context (GRCh38, chr1:196,673,165, plus strand): 5'-AATAATGGTATGCAGGAAGGGAGAATGGGTTGCTCTTAATCCATTAAGGAAATGTCAGAG[T>C]AAGTACTTAATACATTTGTGAAATTTATGAAAACTAGGTGTAAAAATACTTAAGATTTAA-3'

ClinVar aggregate classification (germline): Pathogenic, low penetrance (1 of 4 stars; one submission).

Conditions:
Age related macular degeneration 4. Identifiers: MedGen C1853147, MONDO:0012540, OMIM 610698.

Submission:

Genomenon, Inc
Classification: Pathogenic, low penetrance for Age related macular degeneration 4. Last evaluated: 2025-10-02. Review status: criteria provided, single submitter. Criteria: Genomenon Sequence Variant Interpretation Standards - Updated. Collection method: curation. Allele origin: germline. Affected: yes.
Comment: CFH c.244+2T>C is a canonical splice variant located in the donor splice region of intron 2. It is predicted to affect mRNA splicing, leading to a deleterious effect on the CFH protein. This variant has been observed in at least one proband affected with age-related macular degeneration (PMID:26501415). It is absent or not present at a significant frequency in gnomAD. In conclusion, we classify CFH c.244+2T>C as a pathogenic, low penetrance variant.

Literature cited by the submitters: PubMed 26501415.